The following is an entry in ClinVar:

NM_004663.5(RAB11A):c.461C>T (p.Ser154Leu)

Gene: RAB11A (RAB11A, member RAS oncogene family; plus strand). Cytogenetic location: 15q22.31.
Variant type: single nucleotide variant.
Coding change: c.461C>T on transcript NM_004663.5 (MANE Select); coding-DNA position 461, C replaced by T.
Protein change: p.Ser154Leu; replaces serine 154 with leucine.
Molecular consequence: missense variant. On other transcripts: intron variant (1).
Genome position (GRCh38, 1-based): chr15:65,879,701, C>T. VCF-style: chr15-65879701-C-T. GRCh37 (hg19) VCF-style: chr15-66172039-C-T.
Other names: c.439+22C>T (NM_001206836.2); short protein forms S154L.
Identifiers: ClinVar variation 2582937 (VCV002582937.28), dbSNP rs2549036281, ClinGen allele CA392923267.

ClinVar aggregate classification (germline): Pathogenic/Likely pathogenic. Review status: criteria provided, multiple submitters, no conflicts (2 of 4 stars). 2 submissions from 2 submitters: Pathogenic (1); Likely pathogenic (1). Last evaluated 2023-09-01.

Submissions (2):

CeGaT Center for Human Genetics Tuebingen
Classification: Likely pathogenic. Last evaluated: 2023-09-01. Review status: criteria provided, single submitter. Criteria: CeGaT Center For Human Genetics Tuebingen Variant Classification Criteria Version 2. Collection method: clinical testing. Allele origin: germline. Affected: yes. Observed: 1 variant allele.
Comment: RAB11A: PS2, PM2, PP2, PP3, PS4:Supporting

Labcorp Genetics (formerly Invitae), Labcorp
Classification: Pathogenic. Last evaluated: 2023-02-13. Review status: criteria provided, single submitter. Criteria: Invitae Variant Classification Sherloc (09022015). Collection method: clinical testing. Allele origin: germline.
Comment: For these reasons, this variant has been classified as Pathogenic. Experimental studies are conflicting or provide insufficient evidence to determine the effect of this variant on RAB11A function (PMID: 30217979). Algorithms developed to predict the effect of missense changes on protein structure and function (SIFT, PolyPhen-2, Align-GVGD) all suggest that this variant is likely to be disruptive. This missense change has been observed in individual(s) with RAB11A related conditions (PMID: 29100083). In at least one individual the variant was observed to be de novo. This variant is not present in population databases (gnomAD no frequency). This sequence change replaces serine, which is neutral and polar, with leucine, which is neutral and non-polar, at codon 154 of the RAB11A protein (p.Ser154Leu).

Literature cited by the submitters: PubMed 30217979 (cited by Labcorp Genetics (formerly Invitae), Labcorp); PubMed 29100083 (cited by Labcorp Genetics (formerly Invitae), Labcorp).